The following is an entry in ClinVar:

NM_000051.4(ATM):c.553G>C (p.Val185Leu)

Gene: ATM (ATM serine/threonine kinase; plus strand). Cytogenetic location: 11q22.3.
Variant type: single nucleotide variant.
Coding change: c.553G>C on transcript NM_000051.4 (MANE Select); coding-DNA position 553, G replaced by C.
Protein change: p.Val185Leu; replaces valine 185 with leucine.
Molecular consequence: missense variant.
Genome position (GRCh38, 1-based): chr11:108,244,009, G>C. VCF-style: chr11-108244009-G-C. GRCh37 (hg19) VCF-style: chr11-108114736-G-C.
Other names: c.553G>C, p.Val185Leu (NM_001351834.2); short protein forms V185L.
Identifiers: ClinVar variation 1748194 (VCV001748194.10), dbSNP rs2497130781, ClinGen allele CA382527726.

ClinVar aggregate classification (germline): Uncertain significance. Review status: criteria provided, multiple submitters, no conflicts (2 of 4 stars). 3 submissions from 3 submitters: Uncertain significance (3). Last evaluated 2024-05-20.

Conditions:
Ataxia-telangiectasia syndrome (AT). Also called: LOUIS-BAR SYNDROME; Cerebello-oculocutaneous telangiectasia; Immunodeficiency with ataxia telangiectasia; Ataxia-telangiectasia, complementation group D; AT, COMPLEMENTATION GROUP C; ATAXIA-TELANGIECTASIA, COMPLEMENTATION GROUP A. Identifiers: Orphanet 100, MedGen C0004135, MONDO:0008840, OMIM 208900.
Hereditary cancer-predisposing syndrome. Also called: Neoplastic Syndromes, Hereditary; Tumor predisposition; Hereditary Cancer Syndrome; Hereditary neoplastic syndrome. Identifiers: Orphanet 140162, MedGen C0027672, MeSH D009386, MONDO:0015356.

Allele frequency attached by ClinVar (database versions not stated): gnomAD exomes below 0.00001.
gnomAD v4.1: 1 of 1,612,430 alleles (0.000062%); highest among the groups gnomAD compares: Non-Finnish European, 0.000085%; no homozygotes.

Submissions (3):

Labcorp Genetics (formerly Invitae), Labcorp
Classification: Uncertain significance for Ataxia-telangiectasia syndrome. Last evaluated: 2024-05-20. Review status: criteria provided, single submitter. Criteria: Invitae Variant Classification Sherloc (09022015). Collection method: clinical testing. Allele origin: germline.
Comment: This sequence change replaces valine, which is neutral and non-polar, with leucine, which is neutral and non-polar, at codon 185 of the ATM protein (p.Val185Leu). This variant is not present in population databases (gnomAD no frequency). This variant has not been reported in the literature in individuals affected with ATM-related conditions. ClinVar contains an entry for this variant (Variation ID: 1748194). An algorithm developed to predict the effect of missense changes on protein structure and function (PolyPhen-2) suggests that this variant is likely to be tolerated. In summary, the available evidence is currently insufficient to determine the role of this variant in disease. Therefore, it has been classified as a Variant of Uncertain Significance.

Color Diagnostics, LLC DBA Color Health
Classification: Uncertain significance for Hereditary cancer-predisposing syndrome. Last evaluated: 2023-07-11. Review status: criteria provided, single submitter. Criteria: ACMG Guidelines, 2015. Collection method: clinical testing. Allele origin: germline.
Comment: This missense variant replaces valine with leucine at codon 185 of the ATM protein. Computational prediction suggests that this variant may not impact protein structure and function (internally defined REVEL score threshold <= 0.5, PMID: 27666373). To our knowledge, functional studies have not been reported for this variant. This variant has not been reported in individuals affected with ATM-related disorders in the literature. This variant has not been identified in the general population by the Genome Aggregation Database (gnomAD). The available evidence is insufficient to determine the role of this variant in disease conclusively. Therefore, this variant is classified as a Variant of Uncertain Significance.

Ambry Genetics
Classification: Uncertain significance for Hereditary cancer-predisposing syndrome. Last evaluated: 2021-06-01. Review status: criteria provided, single submitter. Criteria: Ambry Variant Classification Scheme 2023. Collection method: clinical testing. Allele origin: germline.
Comment: The p.V185L variant (also known as c.553G>C), located in coding exon 5 of the ATM gene, results from a G to C substitution at nucleotide position 553. The valine at codon 185 is replaced by leucine, an amino acid with highly similar properties. This amino acid position is highly conserved in available vertebrate species. In addition, this alteration is predicted to be tolerated by in silico analysis. Since supporting evidence is limited at this time, the clinical significance of this alteration remains unclear.